The following is an entry in ClinVar:

ClinVar aggregate classification (germline): Uncertain significance. Review status: criteria provided, multiple submitters, no conflicts (2 of 4 stars). 4 submissions from 4 submitters: Uncertain significance (4). Last evaluated 2026-04-21.

Conditions:
SEMA3E-related disorder. Also called: SEMA3E-related condition.
CHARGE syndrome (CHARGE). Also called: Hittner Hirsch Kreh syndrome; CHARGE ASSOCIATION--COLOBOMA, HEART ANOMALY, CHOANAL ATRESIA, RETARDATION, GENITAL AND EAR ANOMALIES; Coloboma, heart anomaly, choanal atresia, retardation, genital and ear anomalies; CHARGE association; Hall-Hittner syndrome. Identifiers: Orphanet 138, MedGen C0265354, MONDO:0008965.
Hypogonadotropic hypogonadism 7 with or without anosmia (HH7). Also called: GNRHR-Related GnRH Deficiency; HYPOGONADOTROPIC HYPOGONADISM 7 WITHOUT ANOSMIA. Identifiers: Orphanet 432, MedGen C0342384, MONDO:0007794, OMIM 146110.

Allele frequency attached by ClinVar (database versions not stated): gnomAD exomes 0.00004 and 0.00016; gnomAD 0.00005; ExAC 0.00006.
gnomAD v4.1: 235 of 1,612,930 alleles (0.015%); highest among the groups gnomAD compares: Non-Finnish European, 0.019%; no homozygotes.

Submissions (5):

PreventionGenetics, part of Exact Sciences
Classification: Uncertain significance for SEMA3E-related condition. Last evaluated: 2026-04-21. Review status: criteria provided, single submitter. Criteria: ACMG Guidelines, 2015. Collection method: clinical testing. Allele origin: germline.
Comment: The SEMA3E c.949A>T variant is predicted to result in the amino acid substitution p.Thr317Ser. To our knowledge, this variant has not been reported in the literature. This variant is predicted to alter splicing based on available splicing prediction software (SpliceAI, Jaganathan et al. 2019. PubMed ID: 30661751). However, the use of computer prediction software is not equivalent to functional evidence. This variant is reported in 0.0085% of alleles in individuals of European (non-Finnish) descent in gnomAD. At this time, the clinical significance of this variant is uncertain due to the absence of conclusive functional and genetic evidence.

Labcorp Genetics (formerly Invitae), Labcorp
Classification: Uncertain significance for CHARGE syndrome. Last evaluated: 2025-10-29. Review status: criteria provided, single submitter. Criteria: Invitae Variant Classification Sherloc (09022015). Collection method: clinical testing. Allele origin: germline.
Comment: This sequence change replaces threonine, which is neutral and polar, with serine, which is neutral and polar, at codon 317 of the SEMA3E protein (p.Thr317Ser). This variant is present in population databases (rs752718717, gnomAD 0.01%). This variant has not been reported in the literature in individuals affected with SEMA3E-related conditions. ClinVar contains an entry for this variant (Variation ID: 459539). Invitae Evidence Modeling of protein sequence and biophysical properties (such as structural, functional, and spatial information, amino acid conservation, physicochemical variation, residue mobility, and thermodynamic stability) indicates that this missense variant is not expected to disrupt SEMA3E protein function with a negative predictive value of 80%. Algorithms developed to predict the effect of sequence changes on RNA splicing suggest that this variant may disrupt the consensus splice site. In summary, the available evidence is currently insufficient to determine the role of this variant in disease. Therefore, it has been classified as a Variant of Uncertain Significance.

Ambry Genetics
Classification: Uncertain significance. Last evaluated: 2025-10-02. Review status: criteria provided, single submitter. Criteria: Ambry Variant Classification Scheme 2023. Collection method: clinical testing. Allele origin: germline.

Fulgent Genetics
Classification: Uncertain significance for Hypogonadotropic hypogonadism 7 with or without anosmia; CHD7-related CHARGE syndrome. Last evaluated: 2021-11-05. Review status: criteria provided, single submitter. Criteria: ACMG Guidelines, 2015. Collection method: clinical testing. Allele origin: unknown.

Dr. Peter K. Rogan Lab, Western University
No classification provided (evidence only). Condition: Melanoma. Review status: no classification provided. Collection method: in vitro. Allele origin: not applicable. Functional consequence: skipped exon. Not counted in ClinVar's aggregate classification.

NM_012431.3(SEMA3E):c.949A>T (p.Thr317Ser)

Gene: SEMA3E (semaphorin 3E; minus strand). Cytogenetic location: 7q21.11.
Variant type: single nucleotide variant.
Coding change: c.949A>T on transcript NM_012431.3 (MANE Select); coding-DNA position 949, A replaced by T.
Protein change: p.Thr317Ser; replaces threonine 317 with serine.
Molecular consequence: missense variant.
Genome position (GRCh38, 1-based): chr7:83,405,499, T>A on the plus strand (A>T on the coding strand, the complement: SEMA3E is on the minus strand). VCF-style: chr7-83405499-T-A. GRCh37 (hg19) VCF-style: chr7-83034815-T-A.
Other names: c.769A>T, p.Thr257Ser (NM_001178129.2); short protein forms T317S, T257S.
Identifiers: ClinVar variation 459539 (VCV000459539.19), dbSNP rs752718717, ClinGen allele CA4322151.